The following is an entry in ClinVar:

NM_182919.4(TICAM1):c.1024A>C (p.Thr342Pro)

Gene: TICAM1 (TIR domain containing adaptor molecule 1; minus strand). Cytogenetic location: 19p13.3.
Variant type: single nucleotide variant.
Coding change: c.1024A>C on transcript NM_182919.4 (MANE Select); coding-DNA position 1024, A replaced by C.
Protein change: p.Thr342Pro; replaces threonine 342 with proline.
Molecular consequence: missense variant.
Genome position (GRCh38, 1-based): chr19:4,817,354, T>G on the plus strand (A>C on the coding strand, the complement: TICAM1 is on the minus strand). VCF-style: chr19-4817354-T-G. GRCh37 (hg19) VCF-style: chr19-4817366-T-G.
Other names: short protein forms T342P.
Identifiers: ClinVar variation 840071 (VCV000840071.8), dbSNP rs773920190, ClinGen allele CA9105223.
Genomic context (GRCh38, chr19:4,817,354, plus strand): 5'-GAGGAGGGGATGTTTCTGGGGTGGTGGGAGTAGGTGGGCACGGCTTGGTATTTGGAGAGG[T>G]GGTATCTTCTACAGAAAGTTGGAGTGGCGTCTGGTCTTTGACAGAGCAGGGGTTTTTGAC-3'
Protein context (NP_891549.1, residues 332-352): TPLQLSVEDT[Thr342Pro]SPNTKPCPPT

ClinVar aggregate classification (germline): Uncertain significance (1 of 4 stars; one submission).

Conditions:
Encephalopathy, acute, infection-induced (herpes-specific), susceptibility to, 6. Also called: Herpes simplex encephalitis, susceptibility to, 4. Identifiers: Orphanet 1930, MedGen C3553869, MONDO:0013921, OMIM 614850.

Allele frequency attached by ClinVar (database versions not stated): ExAC 0.00001; gnomAD exomes below 0.00001.

Submission:

Labcorp Genetics (formerly Invitae), Labcorp
Classification: Uncertain significance for Encephalopathy, acute, infection-induced (herpes-specific), susceptibility to, 6. Last evaluated: 2019-04-01. Review status: criteria provided, single submitter. Criteria: Invitae Variant Classification Sherloc (09022015). Collection method: clinical testing. Allele origin: germline.
Comment: Algorithms developed to predict the effect of missense changes on protein structure and function output the following: SIFT: "Tolerated"; PolyPhen-2: "Benign"; Align-GVGD: "Class C0". The proline amino acid residue is found in multiple mammalian species, suggesting that this missense change does not adversely affect protein function. These predictions have not been confirmed by published functional studies and their clinical significance is uncertain. This variant has not been reported in the literature in individuals with TICAM1-related conditions. This variant is present in population databases (rs773920190, ExAC 0.002%). This sequence change replaces threonine with proline at codon 342 of the TICAM1 protein (p.Thr342Pro). The threonine residue is weakly conserved and there is a small physicochemical difference between threonine and proline. In summary, the available evidence is currently insufficient to determine the role of this variant in disease. Therefore, it has been classified as a Variant of Uncertain Significance.